The following is an entry in ClinVar:

ClinVar aggregate classification (germline): Uncertain significance (1 of 4 stars; one submission).

Conditions:
Inborn genetic diseases. Identifiers: MedGen C0950123, MeSH D030342.

Submission:

Ambry Genetics
Classification: Uncertain significance for Inborn genetic diseases. Last evaluated: 2020-11-12. Review status: criteria provided, single submitter. Criteria: Ambry Variant Classification Scheme 2023. Collection method: clinical testing. Allele origin: germline.
Comment: The c.1536G>C (p.K512N) alteration is located in exon 9 (coding exon 9) of the FLVCR1 gene. This alteration results from a G to C substitution at nucleotide position 1536, causing the lysine (K) at amino acid position 512 to be replaced by an asparagine (N). Based on data from the Genome Aggregation Database (gnomAD), the FLVCR1 c.1536G>C alteration was not observed, with coverage at this position. This amino acid position is highly conserved in available vertebrate species. The p.K512N alteration is predicted to be tolerated by in silico analysis. Based on insufficient or conflicting evidence, the clinical significance of this alteration remains unclear.

NM_014053.4(FLVCR1):c.1536G>C (p.Lys512Asn)

Gene: FLVCR1 (FLVCR choline and heme transporter 1; plus strand). Cytogenetic location: 1q32.3.
Variant type: single nucleotide variant.
Coding change: c.1536G>C on transcript NM_014053.4 (MANE Select); coding-DNA position 1536, G replaced by C.
Protein change: p.Lys512Asn; replaces lysine 512 with asparagine.
Molecular consequence: missense variant.
Genome position (GRCh38, 1-based): chr1:212,894,996, G>C. VCF-style: chr1-212894996-G-C. GRCh37 (hg19) VCF-style: chr1-213068338-G-C.
Other names: short protein forms K512N.
Identifiers: ClinVar variation 2227933 (VCV002227933.2), dbSNP rs2464516794, ClinGen allele CA344794231.
Genomic context (GRCh38, chr1:212,894,996, plus strand): 5'-AAAAATCTTCACATAACAGTTTATAGTAACTTGATGCCCCTCTGTTTCAGCATTAATCAA[G>C]TCTGATCTGCGAAGACACAACATAAATATAGGAATTACAAATGTTGATGTTAAAGCTGTA-3'
Protein context (NP_054772.1, residues 502-522): FIGIILTALI[Lys512Asn]SDLRRHNINI